The following is an entry in ClinVar:

NM_001142864.4(PIEZO1):c.4181G>A (p.Gly1394Asp)

Gene: PIEZO1 (piezo type mechanosensitive ion channel component 1 (Er blood group); minus strand). Cytogenetic location: 16q24.3.
Variant type: single nucleotide variant.
Coding change: c.4181G>A on transcript NM_001142864.4 (MANE Select); coding-DNA position 4181, G replaced by A.
Protein change: p.Gly1394Asp; replaces glycine 1394 with aspartic acid.
Molecular consequence: missense variant.
Genome position (GRCh38, 1-based): chr16:88,725,062, C>T on the plus strand (G>A on the coding strand, the complement: PIEZO1 is on the minus strand). VCF-style: chr16-88725062-C-T. GRCh37 (hg19) VCF-style: chr16-88791470-C-T.
Other names: c.2723G>A, p.Gly908Asp (NM_014745.1); short protein forms G1394D, G908D.
Identifiers: ClinVar variation 3237430 (VCV003237430.1), dbSNP rs1904328635.

ClinVar aggregate classification (germline): Uncertain significance (1 of 4 stars; one submission).

Conditions:
Lymphatic malformation 6 (LMPHM6). Also called: GENERALIZED LYMPHATIC DYSPLASIA OF FOTIOU; Lymphedema, hereditary, III; PIEZO1-related generalized lymphatic dysplasia with non-immune hydrops fetalis. Identifiers: Orphanet 568062, MedGen C4225184, MONDO:0014797, OMIM 616843.

gnomAD v4.1: 3 of 1,498,750 alleles (0.0002%); highest among the groups gnomAD compares: Non-Finnish European, 0.00027%; no homozygotes.

Submission:

Clinical Genomics Laboratory, Washington University in St. Louis
Classification: Uncertain significance for Lymphatic malformation 6. Last evaluated: 2023-12-14. Review status: criteria provided, single submitter. Criteria: ACMG Guidelines, 2015. Collection method: clinical testing. Allele origin: germline.
Comment: A PIEZO1 c.4181G>A (p.Gly1394Asp) variant was identified at a heterozygous allelic fraction of 49.1%, a frequency which may be consistent with germline origin. This variant, to our knowledge, has not been reported in the medical literature and is only observed on 3/1,346,440 alleles in the general population (gnomAD v.4.0.0), indicating it is not a common variant. Computational predictors suggest that the variant does not impact PIEZO1 function. Due to limited information, and based on ACMG/AMP guidelines for variant interpretation (Richards S et al., PMID: 25741868), the clinical significance of this variant is uncertain at this time.